The following is an entry in ClinVar:

ClinVar aggregate classification (germline): Uncertain significance (1 of 4 stars; one submission).

Conditions:
Hereditary cancer-predisposing syndrome. Also called: Neoplastic Syndromes, Hereditary; Tumor predisposition; Hereditary neoplastic syndrome; Hereditary Cancer Syndrome. Identifiers: Orphanet 140162, MedGen C0027672, MeSH D009386, MONDO:0015356.

Submission:

Ambry Genetics
Classification: Uncertain significance for Hereditary cancer-predisposing syndrome. Last evaluated: 2022-12-17. Review status: criteria provided, single submitter. Criteria: Ambry Variant Classification Scheme 2023. Collection method: clinical testing. Allele origin: germline.
Comment: The p.D1321A variant (also known as c.3962A>C), located in coding exon 23 of the PTCH1 gene, results from an A to C substitution at nucleotide position 3962. The aspartic acid at codon 1321 is replaced by alanine, an amino acid with dissimilar properties. This amino acid position is conserved. In addition, the in silico prediction for this alteration is inconclusive. Since supporting evidence is limited at this time, the clinical significance of this alteration remains unclear.

NM_000264.5(PTCH1):c.3962A>C (p.Asp1321Ala)

Gene: PTCH1 (patched 1; minus strand). Cytogenetic location: 9q22.32.
Variant type: single nucleotide variant.
Coding change: c.3962A>C on transcript NM_000264.5 (MANE Select); coding-DNA position 3962, A replaced by C.
Protein change: p.Asp1321Ala; replaces aspartic acid 1321 with alanine.
Molecular consequence: missense variant. On other transcripts: non-coding transcript variant (1).
Genome position (GRCh38, 1-based): chr9:95,447,294, T>G on the plus strand (A>C on the coding strand, the complement: PTCH1 is on the minus strand). VCF-style: chr9-95447294-T-G. GRCh37 (hg19) VCF-style: chr9-98209576-T-G.
Other names: c.3764A>C, p.Asp1255Ala (NM_001083602.3); c.3959A>C, p.Asp1320Ala (NM_001083603.3); c.3509A>C, p.Asp1170Ala (NM_001083604.3, NM_001083605.3, NM_001083606.3 and 1 more transcripts); c.3806A>C, p.Asp1269Ala (NM_001354918.2); short protein forms D1170A, D1255A, D1269A, D1321A, D1320A.
Identifiers: ClinVar variation 2449646 (VCV002449646.2), dbSNP rs2136580628, ClinGen allele CA374110585.